The following is an entry in ClinVar:

NM_000692.5(ALDH1B1):c.1161del (p.Gly388fs)

Gene: ALDH1B1 (aldehyde dehydrogenase 1 family member B1; plus strand). Cytogenetic location: 9p13.1.
Variant type: Deletion.
Coding change: c.1161del on transcript NM_000692.5 (MANE Select); coding-DNA position 1161, one base deleted (C; older notation c.1161delC).
Protein change: p.Gly388fs; shifts the reading frame from glycine 388.
Molecular consequence: frameshift variant.
Genome position (GRCh38, 1-based): chr9:38,396,909, C deleted. VCF-style (leftmost placement, unchanged base first): chr9-38396908-GC-G. GRCh37 (hg19) VCF-style: chr9-38396905-GC-G.
Other names: c.1161delC (NM_000692.4); short protein forms G388fs.
Identifiers: ClinVar variation 214106 (VCV000214106.4), dbSNP rs201408956, ClinGen allele CA324234.

ClinVar aggregate classification (germline): Likely benign (1 of 4 stars; one submission).

Allele frequency attached by ClinVar (database versions not stated): 1000 Genomes Project 30x 0.00422; 1000 Genomes Project 0.00439; gnomAD exomes 0.00469 and 0.00512; ExAC 0.00484; gnomAD 0.00494 and 0.00503; TOPMed 0.00584; ESP Exome Variant Server 0.00688.

Submission:

GeneDx
Classification: Likely benign. Last evaluated: 2021-09-22. Review status: criteria provided, single submitter. Criteria: GeneDx Variant Classification Process June 2021. Collection method: clinical testing. Allele origin: germline. Affected: yes.
Comment: This variant is associated with the following publications: (PMID: 29086072, 25225064)